The following is an entry in ClinVar:

ClinVar aggregate classification (germline): Uncertain significance. Review status: criteria provided, multiple submitters, no conflicts (2 of 4 stars). 6 submissions from 6 submitters: Uncertain significance (6). Last evaluated 2026-09-01.

Conditions:
Malignant hyperthermia, susceptibility to, 1 (MHS1). Also called: Anesthesia related hyperthermia; Malignant hyperpyrexia; Fulminating hyperpyrexia; Pharmacogenic myopathy; Malignant hyperthermia suceptibility 1; RYR1-Related Malignant Hyperthermia Susceptibility. Identifiers: Orphanet 423, MedGen C2930980, MONDO:0007783, OMIM 145600.
Congenital myopathy with fiber type disproportion. Also called: Congenital fiber-type disproportion myopathy; Congenital fiber-type disproportion. Identifiers: Orphanet 2020, MedGen C0546264, MONDO:0009711. Inheritance: all.
Congenital multicore myopathy with external ophthalmoplegia (CMYO1B). Also called: MULTIMINICORE DISEASE WITH EXTERNAL OPHTHALMOPLEGIA; Minicore myopathy with external ophthalmoplegia; Congenital myopathy 1B, autosomal recessive; Minicore myopathy; MULTICORE MYOPATHY. Identifiers: Orphanet 598, Orphanet 98905, MedGen C1850674, MONDO:0009712, OMIM 255320, HP:0003789.
Central core myopathy (CMYO1A). Also called: CONGENITAL MYOPATHY 1A, AUTOSOMAL DOMINANT, WITH SUSCEPTIBILITY TO MALIGNANT HYPERTHERMIA; Central core disease; Myopathy, central fibrillar. Identifiers: Orphanet 597, MedGen C5830701, MONDO:0007294, OMIM 117000.
King Denborough syndrome (KDS). Identifiers: MedGen C1840365, MONDO:0020485, OMIM 619542.
RYR1-related disorder. Also called: RYR1-related condition; RYR1-related disorders. Identifiers: MedGen CN239331.

gnomAD v4.1: 17 of 1,550,758 alleles (0.0011%); highest among the groups gnomAD compares: African/African-American, 0.0082%; no homozygotes.

Submissions (6):

CeGaT Center for Human Genetics Tuebingen
Classification: Uncertain significance. Last evaluated: 2026-09-01. Review status: criteria provided, single submitter. Criteria: CeGaT Center For Human Genetics Tuebingen Variant Classification Criteria Version 2. Collection method: clinical testing. Allele origin: germline. Affected: yes. Observed: 1 variant allele.
Comment: RYR1: PM2

Color Diagnostics, LLC DBA Color Health
Classification: Uncertain significance for Malignant hyperthermia, susceptibility to, 1. Last evaluated: 2025-08-26. Review status: criteria provided, single submitter. Criteria: ACMG Guidelines, 2015. Collection method: clinical testing. Allele origin: germline.
Comment: This missense variant replaces alanine with threonine at codon 1356 of the RYR1 protein. Computational prediction suggests that this variant may not impact protein structure and function. To our knowledge, functional studies have not been reported for this variant. This variant has not been reported in individuals affected with malignant hyperthermia susceptibility in the literature, although it has been reported in individuals affected with other phenotypes (PMID: 30325262). This variant has been identified in 1/144318 chromosomes in the general population by the Genome Aggregation Database (gnomAD). The available evidence is insufficient to determine the role of this variant in disease conclusively. Therefore, this variant is classified as a Variant of Uncertain Significance.

Labcorp Genetics (formerly Invitae), Labcorp
Classification: Uncertain significance for RYR1-related disorder. Last evaluated: 2024-11-19. Review status: criteria provided, single submitter. Criteria: Invitae Variant Classification Sherloc (09022015). Collection method: clinical testing. Allele origin: germline.
Comment: This sequence change replaces alanine, which is neutral and non-polar, with threonine, which is neutral and polar, at codon 1356 of the RYR1 protein (p.Ala1356Thr). This variant is present in population databases (no rsID available, gnomAD 0.004%). This missense change has been observed in individual(s) with statin induced myopathy (PMID: 30325262). ClinVar contains an entry for this variant (Variation ID: 1018639). Invitae Evidence Modeling of protein sequence and biophysical properties (such as structural, functional, and spatial information, amino acid conservation, physicochemical variation, residue mobility, and thermodynamic stability) indicates that this missense variant is not expected to disrupt RYR1 protein function with a negative predictive value of 95%. In summary, the available evidence is currently insufficient to determine the role of this variant in disease. Therefore, it has been classified as a Variant of Uncertain Significance.

All of Us Research Program, National Institutes of Health
Classification: Uncertain significance for Malignant hyperthermia, susceptibility to, 1. Last evaluated: 2023-10-02. Review status: criteria provided, single submitter. Criteria: ACMG Guidelines, 2015. Collection method: clinical testing. Allele origin: germline. Inheritance: Autosomal dominant inheritance. Observed: 4 variant alleles, 4 heterozygotes.
Comment: This missense variant replaces alanine with threonine at codon 1356 of the RYR1 protein. Computational prediction suggests that this variant may not impact protein structure and function (internally defined REVEL score threshold <= 0.5, PMID: 27666373). To our knowledge, functional studies have not been reported for this variant. This variant has not been reported in individuals affected with malignant hyperthermia susceptibility in the literature, although it has been reported in individuals affected with other phenotypes (PMID: 30325262). This variant has been identified in 1/144318 chromosomes in the general population by the Genome Aggregation Database (gnomAD). The available evidence is insufficient to determine the role of this variant in disease conclusively. Therefore, this variant is classified as a Variant of Uncertain Significance.

This study involves interpretation of variants in research participants for the purpose of population health screening. Participant phenotype was not available at the time of variant classification. Additional details can be found in publication PMID: 35346344, PMCID: PMC8962531

Fulgent Genetics
Classification: Uncertain significance for Central core myopathy; Malignant hyperthermia, susceptibility to, 1; Congenital myopathy 4A, autosomal dominant; Congenital multicore myopathy with external ophthalmoplegia; King Denborough syndrome. Last evaluated: 2021-09-16. Review status: criteria provided, single submitter. Criteria: ACMG Guidelines, 2015. Collection method: clinical testing. Allele origin: unknown.

Revvity Omics, Revvity
Classification: Uncertain significance. Last evaluated: 2019-10-18. Review status: criteria provided, single submitter. Criteria: ACMG Guidelines, 2015. Collection method: clinical testing. Allele origin: germline.

Literature cited by the submitters: PubMed 30325262 (cited by 3 submitters).

NM_000540.3(RYR1):c.4066G>A (p.Ala1356Thr)

Gene: RYR1 (ryanodine receptor 1; plus strand). Cytogenetic location: 19q13.2.
Variant type: single nucleotide variant.
Coding change: c.4066G>A on transcript NM_000540.3 (MANE Select); coding-DNA position 4066, G replaced by A.
Protein change: p.Ala1356Thr; replaces alanine 1356 with threonine.
Molecular consequence: missense variant.
Genome position (GRCh38, 1-based): chr19:38,473,677, G>A. VCF-style: chr19-38473677-G-A. GRCh37 (hg19) VCF-style: chr19-38964317-G-A.
Other names: c.4066G>A (NM_000540.2); c.4066G>A, p.Ala1356Thr (NM_001042723.2); short protein forms A1356T.
Identifiers: ClinVar variation 1018639 (VCV001018639.13), dbSNP rs933347966, ClinGen allele CA308079791.
Genomic context (GRCh38, chr19:38,473,677, plus strand): 5'-CGCTCAGCTGGGGGCTGGAGCGAGGCAGAGAACGGCAAAGAAGGGACTGCGAAGGAGGGC[G>A]CCCCCGGGGGCACCCCGCAGGCGGGGGGAGAGGCGCAGCCCGCCAGGGCGGAGAATGAGA-3'
Protein context (NP_000531.2, residues 1346-1366): NGKEGTAKEG[Ala1356Thr]PGGTPQAGGE